The following is an entry in ClinVar:

NM_000038.6(APC):c.1219del (p.Leu407fs)

Gene: APC (APC regulator of Wnt signaling pathway; plus strand). Cytogenetic location: 5q22.2.
Variant type: Deletion.
Coding change: c.1219del on transcript NM_000038.6 (MANE Select); coding-DNA position 1219, one base deleted (C; older notation c.1219delC).
Protein change: p.Leu407fs; shifts the reading frame from leucine 407.
Molecular consequence: frameshift variant. On other transcripts: intron variant (4).
Genome position (GRCh38, 1-based): chr5:112,819,251, C deleted; the last of 2 consecutive C bases (chr5:112,819,250-112,819,251); deleting either gives the same sequence. VCF-style (leftmost placement, unchanged base first): chr5-112819249-TC-T. GRCh37 (hg19) VCF-style: chr5-112154946-TC-T.
Other names: c.1219del, p.Leu407fs (NM_001127510.3, NM_001354895.2, NM_001354896.2); c.1165del, p.Leu389fs (NM_001127511.3); c.1249del, p.Leu417fs (NM_001354897.2); c.1144del, p.Leu382fs (NM_001354898.2); c.1135del, p.Leu379fs (NM_001354899.2); c.1042del, p.Leu348fs (NM_001354900.2, NM_001354901.2); c.370del, p.Leu124fs (NM_001354906.2); c.964-18del (NM_001354902.2); and 3 more; short protein forms L379fs, L417fs, L382fs, L348fs, L389fs, L407fs, L124fs.
Identifiers: ClinVar variation 428110 (VCV000428110.16), dbSNP rs1114167558, ClinGen allele CA645369345.
Genomic context (GRCh38, chr5:112,819,249, plus strand): 5'-CACTCCACAACATCATTCACTCACAGCCTGATGACAAGAGAGGCAGGCGTGAAATCCGAG[TC>T]CTTCATCTTTTGGAACAGATACGCGCTTACTGTGAAACCTGTTGGGAGTGGCAGGAAGCT-3'

ClinVar aggregate classification (germline): Pathogenic. Review status: criteria provided, multiple submitters, no conflicts (2 of 4 stars). 3 submissions from 3 submitters: Pathogenic (3). Last evaluated 2025-03-11.

Conditions:
Familial adenomatous polyposis 1 (FAP1). Also called: FAMILIAL ADENOMATOUS POLYPOSIS 1, ATTENUATED; POLYPOSIS, ADENOMATOUS INTESTINAL. Identifiers: MedGen C2713442, MONDO:0021056, OMIM 175100. Disease mechanism: loss of function.
Hereditary cancer-predisposing syndrome. Also called: Hereditary Cancer Syndrome; Neoplastic Syndromes, Hereditary; Hereditary neoplastic syndrome; Tumor predisposition. Identifiers: Orphanet 140162, MedGen C0027672, MeSH D009386, MONDO:0015356.

Submissions (3):

Labcorp Genetics (formerly Invitae), Labcorp
Classification: Pathogenic for Familial adenomatous polyposis 1. Last evaluated: 2025-03-11. Review status: criteria provided, single submitter. Criteria: Invitae Variant Classification Sherloc (09022015). Collection method: clinical testing. Allele origin: germline.
Comment: This sequence change creates a premature translational stop signal (p.Leu407Phefs*47) in the APC gene. It is expected to result in an absent or disrupted protein product. Loss-of-function variants in APC are known to be pathogenic (PMID: 17963004, 20685668). This variant is not present in population databases (gnomAD no frequency). This premature translational stop signal has been observed in individual(s) with polyposis and ovarian cancer (PMID: 27705013). ClinVar contains an entry for this variant (Variation ID: 428110). For these reasons, this variant has been classified as Pathogenic.

Ambry Genetics
Classification: Pathogenic for Hereditary cancer-predisposing syndrome. Last evaluated: 2024-01-12. Review status: criteria provided, single submitter. Criteria: Ambry Variant Classification Scheme 2023. Collection method: clinical testing. Allele origin: germline.
Comment: The c.1219delC pathogenic mutation, located in coding exon 9 of the APC gene, results from a deletion of one nucleotide at nucleotide position 1219, causing a translational frameshift with a predicted alternate stop codon (p.L407Ffs*47). This alteration has been observed in multiple individuals with a personal and/or family history that is consistent with APC-related disease (Marabelli M et al. Genet Test Mol Biomarkers, 2016 Dec;20:777-785; Ambry internal data). This variant is considered to be rare based on population cohorts in the Genome Aggregation Database (gnomAD). In addition to the clinical data presented in the literature, this alteration is expected to result in loss of function by premature protein truncation or nonsense-mediated mRNA decay. As such, this alteration is interpreted as a disease-causing mutation.

Myriad Genetics, Inc.
Classification: Pathogenic for Familial adenomatous polyposis 1. Last evaluated: 2023-04-28. Review status: criteria provided, single submitter. Criteria: Myriad Autosomal Dominant, Autosomal Recessive and X-Linked Classification Criteria (2023). Collection method: clinical testing. Allele origin: unknown.
Comment: This variant is considered pathogenic. This variant creates a frameshift predicted to result in premature protein truncation.

Literature cited by the submitters: PubMed 17963004 (cited by Labcorp Genetics (formerly Invitae), Labcorp); PubMed 20685668 (cited by Labcorp Genetics (formerly Invitae), Labcorp); PubMed 27705013 (cited by Labcorp Genetics (formerly Invitae), Labcorp and Ambry Genetics).